The following is an entry in ClinVar:

ClinVar aggregate classification (germline): Uncertain significance (1 of 4 stars; one submission).

Submission:

Ambry Genetics
Classification: Uncertain significance. Last evaluated: 2023-09-29. Review status: criteria provided, single submitter. Criteria: Ambry Variant Classification Scheme 2023. Collection method: clinical testing. Allele origin: germline.
Comment: The p.E501G variant (also known as c.1502A>G) is located in coding exon 8 of the PALLD gene. The glutamic acid at codon 501 is replaced by glycine, an amino acid with similar properties. This change occurs in the first base pair of coding exon 8. This amino acid position is conserved. In addition, the in silico prediction for this alteration is inconclusive. Since supporting evidence is limited at this time, the clinical significance of this alteration remains unclear.

NM_001166108.2(PALLD):c.1502A>G (p.Glu501Gly)

Gene: PALLD (palladin, cytoskeletal associated protein; plus strand). Cytogenetic location: 4q32.3.
Variant type: single nucleotide variant.
Coding change: c.1502A>G on transcript NM_001166108.2 (MANE Select); coding-DNA position 1502, A replaced by G.
Protein change: p.Glu501Gly; replaces glutamic acid 501 with glycine.
Molecular consequence: missense variant.
Genome position (GRCh38, 1-based): chr4:168,709,028, A>G. VCF-style: chr4-168709028-A-G. GRCh37 (hg19) VCF-style: chr4-169630179-A-G.
Other names: c.356A>G, p.Glu119Gly (NM_001166109.2); c.1502A>G, p.Glu501Gly (NM_016081.4); short protein forms E119G, E501G.
Identifiers: ClinVar variation 3226739 (VCV003226739.1), dbSNP rs758922377, ClinGen allele CA358797359.